The following is an entry in ClinVar:

NM_024312.5(GNPTAB):c.3216A>G (p.Pro1072=)

Gene: GNPTAB (N-acetylglucosamine-1-phosphate transferase subunits alpha and beta; minus strand). Cytogenetic location: 12q23.2.
Variant type: single nucleotide variant.
Coding change: c.3216A>G on transcript NM_024312.5 (MANE Select); coding-DNA position 3216, A replaced by G.
Protein change: p.Pro1072=; no amino-acid change (proline 1072 retained).
Molecular consequence: synonymous variant.
Genome position (GRCh38, 1-based): chr12:101,760,063, T>C on the plus strand (A>G on the coding strand, the complement: GNPTAB is on the minus strand). VCF-style: chr12-101760063-T-C. GRCh37 (hg19) VCF-style: chr12-102153841-T-C.
Identifiers: ClinVar variation 306799 (VCV000306799.19), dbSNP rs61935741, ClinGen allele CA6746232.

ClinVar aggregate classification (germline): Conflicting classifications of pathogenicity. Review status: criteria provided, conflicting classifications (1 of 4 stars). 6 submissions from 5 submitters: Uncertain significance (2); Likely benign (2). 2 of the submissions do not count toward it. Last evaluated 2026-01-05.

Conditions:
Pseudo-Hurler polydystrophy. Also called: MUCOLIPIDOSIS IIIA; ML IIIA; Mucolipidosis III Alpha/Beta; ML III; ML III ALPHA/BETA; Type III Mucolipidosis. Identifiers: Orphanet 423461, Orphanet 577, MedGen C0033788, MONDO:0018931, OMIM 252600.
Mucolipidosis type II. Also called: Mucolipidosis II Alpha/Beta; ML II ALPHA/BETA; Mucolipidosis 2; ML 2; Inclusion cell disease; Leroy Disease. Identifiers: Orphanet 576, MedGen C2673377, MONDO:0009650, OMIM 252500.
GNPTAB-Related Disorders. Also called: GNPTAB-related disorder; GNPTAB-related condition. Identifiers: MedGen CN381523.

Allele frequency attached by ClinVar (database versions not stated): gnomAD exomes 0.00027 and 0.00012; ESP Exome Variant Server 0.00031; ExAC 0.00009; gnomAD 0.00018 and 0.00019; TOPMed 0.00014.
gnomAD v4.1: 443 of 1,612,752 alleles (0.027%); highest among the groups gnomAD compares: Non-Finnish European, 0.034%; no homozygotes.

Submissions (6):

Labcorp Genetics (formerly Invitae), Labcorp
Classification: Likely benign for Pseudo-Hurler polydystrophy; Mucolipidosis type II. Last evaluated: 2026-01-05. Review status: criteria provided, single submitter. Criteria: Invitae Variant Classification Sherloc (09022015). Collection method: clinical testing. Allele origin: germline.

Women's Health and Genetics/Laboratory Corporation of America, LabCorp
Classification: Likely benign. Last evaluated: 2019-08-28. Review status: criteria provided, single submitter. Criteria: LabCorp Variant Classification Summary - May 2015. Collection method: clinical testing. Allele origin: germline.

Illumina Laboratory Services, Illumina
Classification: Uncertain significance for Mucolipidosis type II. Last evaluated: 2018-01-12. Review status: criteria provided, single submitter. Criteria: ICSL Variant Classification Criteria 13 December 2019. Collection method: clinical testing. Allele origin: germline.

Illumina Laboratory Services, Illumina
Classification: Uncertain significance for Pseudo-Hurler polydystrophy. Last evaluated: 2018-01-12. Review status: criteria provided, single submitter. Criteria: ICSL Variant Classification Criteria 13 December 2019. Collection method: clinical testing. Allele origin: germline.

PreventionGenetics, part of Exact Sciences
Classification: Likely benign for GNPTAB-related condition. Last evaluated: 2021-09-14. Review status: no assertion criteria provided. Collection method: clinical testing. Allele origin: germline. Not counted in ClinVar's aggregate classification.
Comment: This variant is classified as likely benign based on ACMG/AMP sequence variant interpretation guidelines (Richards et al. 2015 PMID: 25741868, with internal and published modifications).

Natera, Inc.
Classification: Uncertain significance for Mucolipidosis type II. Last evaluated: 2020-04-17. Review status: no assertion criteria provided. Collection method: clinical testing. Allele origin: germline. Not counted in ClinVar's aggregate classification.